The following is an entry in ClinVar:

NM_020774.4(MIB1):c.326G>A (p.Cys109Tyr)

Gene: MIB1 (MIB E3 ubiquitin protein ligase 1; plus strand). Cytogenetic location: 18q11.2.
Variant type: single nucleotide variant.
Coding change: c.326G>A on transcript NM_020774.4 (MANE Select); coding-DNA position 326, G replaced by A.
Protein change: p.Cys109Tyr; replaces cysteine 109 with tyrosine.
Molecular consequence: missense variant.
Genome position (GRCh38, 1-based): chr18:21,765,868, G>A. VCF-style: chr18-21765868-G-A. GRCh37 (hg19) VCF-style: chr18-19345829-G-A.
Other names: short protein forms C109Y.
Identifiers: ClinVar variation 3361337 (VCV003361337.1).
Genomic context (GRCh38, chr18:21,765,868, plus strand): 5'-GCCAGCAACCAATCATTGGCATTCGATGGAAGTGTGCAGAGTGTACAAATTATGATTTGT[G>A]CACAGTGTGTTATCATGGAGATAAACATCATTTAAGACATCGCTTTTACCGAATTACTAC-3'
Protein context (NP_065825.1, residues 99-119): KCAECTNYDL[Cys109Tyr]TVCYHGDKHH

ClinVar aggregate classification (germline): Uncertain significance (1 of 4 stars; one submission).

Submission:

GeneDx
Classification: Uncertain significance. Last evaluated: 2024-01-12. Review status: criteria provided, single submitter. Criteria: GeneDx Variant Classification Process June 2021. Collection method: clinical testing. Allele origin: germline. Affected: yes.
Comment: Not observed at significant frequency in large population cohorts (gnomAD); In silico analysis supports that this missense variant has a deleterious effect on protein structure/function; Has not been previously published as pathogenic or benign to our knowledge